The following is an entry in ClinVar:

NM_001161352.2(KCNMA1):c.1346A>G (p.Asn449Ser)

Gene: KCNMA1 (potassium calcium-activated channel subfamily M alpha 1; minus strand). Cytogenetic location: 10q22.3.
Variant type: single nucleotide variant.
Coding change: c.1346A>G on transcript NM_001161352.2 (MANE Select); coding-DNA position 1346, A replaced by G.
Protein change: p.Asn449Ser; replaces asparagine 449 with serine.
Molecular consequence: missense variant.
Genome position (GRCh38, 1-based): chr10:77,086,582, T>C on the plus strand (A>G on the coding strand, the complement: KCNMA1 is on the minus strand). VCF-style: chr10-77086582-T-C. GRCh37 (hg19) VCF-style: chr10-78846340-T-C.
Other names: c.1346A>G, p.Asn449Ser (NM_001014797.3, NM_001161353.2, NM_001271519.2 and 8 more transcripts); c.1184A>G, p.Asn395Ser (NM_001271518.2); c.806A>G, p.Asn269Ser (NM_001322838.2); short protein forms N269S, N395S, N449S.
Identifiers: ClinVar variation 3600882 (VCV003600882.1).

ClinVar aggregate classification (germline): Uncertain significance (1 of 4 stars; one submission).

gnomAD v4.1: 4 of 1,612,708 alleles (0.00025%); highest among the groups gnomAD compares: Non-Finnish European, 0.00025%; no homozygotes.

Submission:

GeneDx
Classification: Uncertain significance. Last evaluated: 2024-07-24. Review status: criteria provided, single submitter. Criteria: GeneDx Variant Classification Process June 2021. Collection method: clinical testing. Allele origin: germline. Affected: yes.
Comment: Not observed at significant frequency in large population cohorts (gnomAD); In silico analysis indicates that this missense variant does not alter protein structure/function; Has not been previously published as pathogenic or benign to our knowledge